The following is an entry in ClinVar:

NM_001114753.3(ENG):c.1133C>T (p.Ala378Val)

Gene: ENG (endoglin; minus strand). Cytogenetic location: 9q34.11.
Variant type: single nucleotide variant.
Coding change: c.1133C>T on transcript NM_001114753.3 (MANE Select); coding-DNA position 1133, C replaced by T.
Protein change: p.Ala378Val; replaces alanine 378 with valine.
Molecular consequence: missense variant.
Genome position (GRCh38, 1-based): chr9:127,824,305, G>A on the plus strand (C>T on the coding strand, the complement: ENG is on the minus strand). VCF-style: chr9-127824305-G-A. GRCh37 (hg19) VCF-style: chr9-130586584-G-A.
Other names: c.1133C>T, p.Ala378Val (NM_000118.4, NM_001406715.1); c.587C>T, p.Ala196Val (NM_001278138.2); short protein forms A378V, A196V.
Identifiers: ClinVar variation 458327 (VCV000458327.15), dbSNP rs143054595, ClinGen allele CA5252876.
Genomic context (GRCh38, chr9:127,824,305, plus strand): 5'-CTAGGGGAGGAACCAGATGTCCATGTCATCCTGAGCCAGAGGGGCAGGAGTTCCCTTACC[G>A]CAACAAGCTCTTTCTTTAGTACCAGGGTCATGGCGTCGTCGGCACACTTTGTCTGGATCA-3'
Protein context (NP_001108225.1, residues 368-388): MTLVLKKELV[Ala378Val]HLKCTITGLT

ClinVar aggregate classification (germline): Uncertain significance. Review status: criteria provided, multiple submitters, no conflicts (2 of 4 stars). 4 submissions from 4 submitters: Uncertain significance (4). Last evaluated 2025-09-11.

Conditions:
Cardiovascular phenotype. Identifiers: MedGen CN230736.
Hereditary hemorrhagic telangiectasia (HHT). Also called: ORW DISEASE; Osler Weber Rendu syndrome; OSLER-RENDU-WEBER DISEASE; Osler hemorrhagic telangiectasia syndrome. Identifiers: Orphanet 774, MedGen C0039445, MONDO:0019180. Disease mechanism: loss of function.
ENG-related disorder. Also called: ENG-related condition; ENG-related disorders.
Telangiectasia, hereditary hemorrhagic, type 1 (HHT1). Also called: Osler Weber Rendu syndrome type 1; ENG-Related Hereditary Hemorrhagic Telangiectasia. Identifiers: Orphanet 774, MedGen C4551861, MONDO:0008535, OMIM 187300. Disease mechanism: loss of function.

Allele frequency attached by ClinVar (database versions not stated): gnomAD exomes 0.00004; ExAC 0.00005; ESP Exome Variant Server 0.00008; TOPMed 0.00012; gnomAD 0.00009.
gnomAD v4.1: 84 of 1,613,816 alleles (0.0052%); highest among the groups gnomAD compares: African/African-American, 0.025%; no homozygotes.

Submissions (4):

PreventionGenetics, part of Exact Sciences
Classification: Uncertain significance for ENG-related condition. Last evaluated: 2025-09-11. Review status: criteria provided, single submitter. Criteria: ACMG Guidelines, 2015. Collection method: clinical testing. Allele origin: germline.
Comment: The ENG c.1133C>T variant is predicted to result in the amino acid substitution p.Ala378Val. To our knowledge, this variant has not been reported in the literature. This variant is reported in 0.020% of alleles in individuals of African descent in gnomAD. Although we suspect that this variant may be benign, at this time, the clinical significance of this variant is uncertain due to the absence of conclusive functional and genetic evidence.

Labcorp Genetics (formerly Invitae), Labcorp
Classification: Uncertain significance for Hereditary hemorrhagic telangiectasia. Last evaluated: 2025-07-07. Review status: criteria provided, single submitter. Criteria: Invitae Variant Classification Sherloc (09022015). Collection method: clinical testing. Allele origin: germline.
Comment: This sequence change replaces alanine, which is neutral and non-polar, with valine, which is neutral and non-polar, at codon 378 of the ENG protein (p.Ala378Val). This variant is present in population databases (rs143054595, gnomAD 0.02%). This variant has not been reported in the literature in individuals affected with ENG-related conditions. ClinVar contains an entry for this variant (Variation ID: 458327). An algorithm developed to predict the effect of missense changes on protein structure and function (PolyPhen-2) suggests that this variant is likely to be tolerated. In summary, the available evidence is currently insufficient to determine the role of this variant in disease. Therefore, it has been classified as a Variant of Uncertain Significance.

Fulgent Genetics
Classification: Uncertain significance for Telangiectasia, hereditary hemorrhagic, type 1. Last evaluated: 2018-10-31. Review status: criteria provided, single submitter. Criteria: ACMG Guidelines, 2015. Collection method: clinical testing. Allele origin: unknown.

Ambry Genetics
Classification: Uncertain significance for Cardiovascular phenotype. Last evaluated: 2018-05-15. Review status: criteria provided, single submitter. Criteria: Ambry Variant Classification Scheme 2023. Collection method: clinical testing. Allele origin: germline.
Comment: The p.A378V variant (also known as c.1133C>T), located in coding exon 8 of the ENG gene, results from a C to T substitution at nucleotide position 1133. The alanine at codon 378 is replaced by valine, an amino acid with similar properties. This amino acid position is poorly conserved in available vertebrate species. In addition, this alteration is predicted to be tolerated by in silico analysis. Since supporting evidence is limited at this time, the clinical significance of this alteration remains unclear.